The following is an entry in ClinVar:

NM_138420.4(AHNAK2):c.9322G>A (p.Gly3108Ser)

Gene: AHNAK2 (AHNAK nucleoprotein 2; minus strand). Cytogenetic location: 14q32.33.
Variant type: single nucleotide variant.
Coding change: c.9322G>A on transcript NM_138420.4 (MANE Select); coding-DNA position 9322, G replaced by A.
Protein change: p.Gly3108Ser; replaces glycine 3108 with serine.
Molecular consequence: missense variant.
Genome position (GRCh38, 1-based): chr14:104,946,129, C>T on the plus strand (G>A on the coding strand, the complement: AHNAK2 is on the minus strand). VCF-style: chr14-104946129-C-T. GRCh37 (hg19) VCF-style: chr14-105412466-C-T.
Other names: c.9022G>A, p.Gly3008Ser (NM_001350929.2); c.9322G>A (NM_138420.2); short protein forms G3008S, G3108S.
Identifiers: ClinVar variation 2644690 (VCV002644690.25), dbSNP rs376530085, ClinGen allele CA7379668.

ClinVar aggregate classification (germline): Benign/Likely benign. Review status: criteria provided, multiple submitters, no conflicts (2 of 4 stars). 2 submissions from 2 submitters: Benign (1); Likely benign (1). Last evaluated 2024-01-24.

Allele frequency attached by ClinVar (database versions not stated): gnomAD exomes 0.00011; 1000 Genomes Project 30x 0.00016; ExAC 0.00024; ESP Exome Variant Server 0.00025; gnomAD 0.00045; 1000 Genomes Project 0.00080.
gnomAD v4.1: 223 of 1,609,612 alleles (0.014%); highest among the groups gnomAD compares: African/African-American, 0.17%; 1 homozygote.

Submissions (2):

Ambry Genetics
Classification: Likely benign. Last evaluated: 2024-01-24. Review status: criteria provided, single submitter. Criteria: Ambry Variant Classification Scheme 2023. Collection method: clinical testing. Allele origin: germline.

CeGaT Center for Human Genetics Tuebingen
Classification: Benign. Last evaluated: 2022-04-01. Review status: criteria provided, single submitter. Criteria: CeGaT Center For Human Genetics Tuebingen Variant Classification Criteria Version 2. Collection method: clinical testing. Allele origin: germline. Affected: yes. Observed: 1 variant allele.
Comment: AHNAK2: BS1, BS2